The following is an entry in ClinVar:

NM_014727.3(KMT2B):c.3809G>A (p.Arg1270His)

Gene: KMT2B (lysine methyltransferase 2B; plus strand). Cytogenetic location: 19q13.12.
Variant type: single nucleotide variant.
Coding change: c.3809G>A on transcript NM_014727.3 (MANE Select); coding-DNA position 3809, G replaced by A.
Protein change: p.Arg1270His; replaces arginine 1270 with histidine.
Molecular consequence: missense variant.
Genome position (GRCh38, 1-based): chr19:35,725,742, G>A. VCF-style: chr19-35725742-G-A. GRCh37 (hg19) VCF-style: chr19-36216643-G-A.
Other names: short protein forms R1270H.
Identifiers: ClinVar variation 1308254 (VCV001308254.2), dbSNP rs775753450, ClinGen allele CA9384881.

ClinVar aggregate classification (germline): Uncertain significance (1 of 4 stars; one submission).

Allele frequency attached by ClinVar (database versions not stated): TOPMed below 0.00001; gnomAD 0.00001; gnomAD exomes 0.00001 and 0.00002; ExAC 0.00003.
gnomAD v4.1: 14 of 1,606,974 alleles (0.00087%); highest among the groups gnomAD compares: South Asian, 0.01%; no homozygotes.

Submission:

GeneDx
Classification: Uncertain significance. Last evaluated: 2019-03-27. Review status: criteria provided, single submitter. Criteria: GeneDx Variant Classification Process June 2021. Collection method: clinical testing. Allele origin: germline. Affected: yes.
Comment: In silico analysis, which includes protein predictors and evolutionary conservation, supports a deleterious effect; Has not been previously published as pathogenic or benign to our knowledge